The following is an entry in ClinVar:

NM_002878.4(RAD51D):c.76_77del (p.Lys26fs)

Genes: RAD51D (RAD51 paralog D; minus strand), RAD51L3-RFFL (RAD51L3-RFFL readthrough; minus strand). Cytogenetic location: 17q12.
Variant type: Deletion.
Coding change: c.76_77del on transcript NM_002878.4 (MANE Select); coding-DNA positions 76 to 77, 2 bases deleted (AA; older notation c.76_77delAA).
Protein change: p.Lys26fs; shifts the reading frame from lysine 26.
Molecular consequence: frameshift variant. On other transcripts: non-coding transcript variant (2).
Genome position (GRCh38, 1-based): chr17:35,119,537-35,119,538, TT deleted on the plus strand (AA on the coding strand, the reverse complement: RAD51D is on the minus strand). VCF-style (leftmost placement, unchanged base first): chr17-35119536-CTT-C. GRCh37 (hg19) VCF-style: chr17-33446555-CTT-C.
Other names: c.76_77del, p.Lys26fs (NM_001142571.2, NM_133629.3); short protein forms K26fs.
Identifiers: ClinVar variation 4812970 (VCV004812970.1).

ClinVar aggregate classification (germline): Pathogenic (1 of 4 stars; one submission).

Conditions:
Breast-ovarian cancer, familial, susceptibility to, 4. Identifiers: Orphanet 145, MedGen C3280345, MONDO:0013669, OMIM 614291.

Submission:

Myriad Genetics, Inc.
Classification: Pathogenic for Breast-ovarian cancer, familial, susceptibility to, 4. Last evaluated: 2025-11-26. Review status: criteria provided, single submitter. Criteria: Myriad Autosomal Dominant, Autosomal Recessive and X-Linked Classification Criteria (2023). Collection method: clinical testing. Allele origin: unknown.
Comment: This variant is considered pathogenic. This variant creates a frameshift predicted to result in premature protein truncation.